The following is an entry in ClinVar:

NM_003632.3(CNTNAP1):c.1061del (p.Arg354fs)

Gene: CNTNAP1 (contactin associated protein 1; plus strand). Cytogenetic location: 17q21.2.
Variant type: Deletion.
Coding change: c.1061del on transcript NM_003632.3 (MANE Select); coding-DNA position 1061, one base deleted (G; older notation c.1061delG).
Protein change: p.Arg354fs; shifts the reading frame from arginine 354.
Molecular consequence: frameshift variant.
Genome position (GRCh38, 1-based): chr17:42,687,736, G deleted. VCF-style (leftmost placement, unchanged base first): chr17-42687735-CG-C. GRCh37 (hg19) VCF-style: chr17-40839753-CG-C.
Other names: short protein forms R354fs.
Identifiers: ClinVar variation 5005760 (VCV005005760.2).

ClinVar aggregate classification (germline): Likely pathogenic (1 of 4 stars; one submission).

Conditions:
Neuropathy, congenital hypomyelinating, 3. Identifiers: MedGen C4748608, MONDO:0020766, OMIM 618186.
Lethal congenital contracture syndrome 7 (LCCS7). Identifiers: MedGen C4225386, MONDO:0014569, OMIM 616286.

Submission:

Juno Genomics, Hangzhou Juno Genomics, Inc
Classification: Likely pathogenic for Neuropathy, congenital hypomyelinating, 3; Lethal congenital contracture syndrome 7. Review status: criteria provided, single submitter. Criteria: ACMG Guidelines, 2015. Collection method: clinical testing. Allele origin: germline.
Comment: Null variant in a gene where loss of function (LOF) is a known mechanism of disease.;Absent from controls (or at extremely low frequency if recessive) in Genome Aggregation Database.